The following is an entry in ClinVar:

ClinVar aggregate classification (germline): Uncertain significance (1 of 4 stars; one submission).

Conditions:
Very long chain acyl-CoA dehydrogenase deficiency (ACADVLD). Also called: VLCAD Deficiency; Very Long-Chain Acyl-Coenzyme A Dehydrogenase Deficiency. Identifiers: Orphanet 26793, MedGen C3887523, MONDO:0008723, OMIM 201475.

Submission:

Myriad Genetics, Inc.
Classification: Uncertain significance for Very long chain acyl-CoA dehydrogenase deficiency. Last evaluated: 2025-09-09. Review status: criteria provided, single submitter. Criteria: Myriad Autosomal Dominant, Autosomal Recessive and X-Linked Classification Criteria (2023). Collection method: clinical testing. Allele origin: unknown.
Comment: NM_000018.3(ACADVL):c.949G>T(V317L) is a missense variant classified as a variant of uncertain significance in the context of very-long-chain acyl-CoA dehydrogenase deficiency. V317L has not been observed in cases with relevant disease. Relevant functional assessments of this variant are not available in the literature. V317L has not been observed in referenced population frequency databases. In summary, there is insufficient evidence to classify NM_000018.3(ACADVL):c.949G>T(V317L) as pathogenic or benign. Please note: this variant was assessed in the context of healthy population screening.

NM_000018.4(ACADVL):c.949G>T (p.Val317Leu)

Gene: ACADVL (acyl-CoA dehydrogenase very long chain; plus strand). Cytogenetic location: 17p13.1.
Variant type: single nucleotide variant.
Coding change: c.949G>T on transcript NM_000018.4 (MANE Select); coding-DNA position 949, G replaced by T.
Protein change: p.Val317Leu; replaces valine 317 with leucine.
Molecular consequence: missense variant.
Genome position (GRCh38, 1-based): chr17:7,222,737, G>T. VCF-style: chr17-7222737-G-T. GRCh37 (hg19) VCF-style: chr17-7126056-G-T.
Other names: c.883G>T, p.Val295Leu (NM_001033859.3); c.1018G>T, p.Val340Leu (NM_001270447.2); c.721G>T, p.Val241Leu (NM_001270448.2); short protein forms V317L, V295L, V340L, V241L.
Identifiers: ClinVar variation 5003849 (VCV005003849.1).